The following is an entry in ClinVar:

ClinVar aggregate classification (germline): Uncertain significance (1 of 4 stars; one submission).

Conditions:
Citrin deficiency. Identifiers: MedGen C1997910, MONDO:0016602, Orphanet 247582.

Allele frequency attached by ClinVar (database versions not stated): gnomAD exomes below 0.00001; ExAC 0.00001.
gnomAD v4.1: 1 of 1,613,944 alleles (0.000062%); highest among the groups gnomAD compares: South Asian, 0.0011%; no homozygotes.

Submission:

Labcorp Genetics (formerly Invitae), Labcorp
Classification: Uncertain significance for Citrin deficiency. Last evaluated: 2024-02-24. Review status: criteria provided, single submitter. Criteria: Invitae Variant Classification Sherloc (09022015). Collection method: clinical testing. Allele origin: germline.
Comment: This sequence change falls in intron 15 of the SLC25A13 gene. It does not directly change the encoded amino acid sequence of the SLC25A13 protein. It affects a nucleotide within the consensus splice site. This variant is present in population databases (rs774001538, gnomAD 0.003%). This variant has not been reported in the literature in individuals affected with SLC25A13-related conditions. ClinVar contains an entry for this variant (Variation ID: 1961051). Variants that disrupt the consensus splice site are a relatively common cause of aberrant splicing (PMID: 17576681, 9536098). Algorithms developed to predict the effect of sequence changes on RNA splicing suggest that this variant may disrupt the consensus splice site. In summary, the available evidence is currently insufficient to determine the role of this variant in disease. Therefore, it has been classified as a Variant of Uncertain Significance.

Literature cited by the submitters: PubMed 17576681; PubMed 9536098.

NM_014251.3(SLC25A13):c.1591+4A>G

Gene: SLC25A13 (solute carrier family 25 member 13; minus strand). Cytogenetic location: 7q21.3.
Variant type: single nucleotide variant.
Coding change: c.1591+4A>G on transcript NM_014251.3 (MANE Select); 4 bases into the intron after coding-DNA position 1591, A replaced by G.
Molecular consequence: intron variant.
Genome position (GRCh38, 1-based): chr7:96,131,739, T>C on the plus strand (A>G on the coding strand, the complement: SLC25A13 is on the minus strand). VCF-style: chr7-96131739-T-C. GRCh37 (hg19) VCF-style: chr7-95761051-T-C.
Other names: c.1594+4A>G (NM_001160210.2).
Identifiers: ClinVar variation 1961051 (VCV001961051.5), dbSNP rs774001538, ClinGen allele CA4352873.